The following is an entry in ClinVar:

NM_000057.4(BLM):c.3859G>T (p.Glu1287Ter)

Gene: BLM (BLM RecQ like helicase; plus strand). Cytogenetic location: 15q26.1.
Variant type: single nucleotide variant.
Coding change: c.3859G>T on transcript NM_000057.4 (MANE Select); coding-DNA position 3859, G replaced by T.
Protein change: p.Glu1287Ter; replaces glutamic acid 1287 with a stop codon.
Molecular consequence: nonsense.
Genome position (GRCh38, 1-based): chr15:90,809,244, G>T. VCF-style: chr15-90809244-G-T. GRCh37 (hg19) VCF-style: chr15-91352474-G-T.
Other names: c.3859G>T, p.Glu1287Ter (NM_001287246.2); c.3466G>T, p.Glu1156Ter (NM_001287247.2); c.2734G>T, p.Glu912Ter (NM_001287248.2); short protein forms E912*, E1156*, E1287*.
Identifiers: ClinVar variation 1735577 (VCV001735577.2), dbSNP rs2505561874, ClinGen allele CA393849818.

ClinVar aggregate classification (germline): Pathogenic (1 of 4 stars; one submission).

Conditions:
Hereditary cancer-predisposing syndrome. Also called: Neoplastic Syndromes, Hereditary; Tumor predisposition; Hereditary Cancer Syndrome; Hereditary neoplastic syndrome. Identifiers: Orphanet 140162, MedGen C0027672, MeSH D009386, MONDO:0015356.

Submission:

Ambry Genetics
Classification: Pathogenic for Hereditary cancer-predisposing syndrome. Last evaluated: 2021-09-30. Review status: criteria provided, single submitter. Criteria: Ambry Variant Classification Scheme 2023. Collection method: clinical testing. Allele origin: germline.
Comment: The p.E1287* pathogenic mutation (also known as c.3859G>T), located in coding exon 19 of the BLM gene, results from a G to T substitution at nucleotide position 3859. This changes the amino acid from a glutamic acid to a stop codon within coding exon 19. This variant is considered to be rare based on population cohorts in the Genome Aggregation Database (gnomAD). This alteration is expected to result in loss of function by premature protein truncation or nonsense-mediated mRNA decay. As such, this alteration is interpreted as a disease-causing mutation.